The following is an entry in ClinVar:

ClinVar aggregate classification (germline): Likely pathogenic (1 of 4 stars; one submission).

Submission:

Ambry Genetics
Classification: Likely pathogenic. Last evaluated: 2026-04-15. Review status: criteria provided, single submitter. Criteria: Ambry Variant Classification Scheme 2023. Collection method: clinical testing. Allele origin: germline.
Comment: The c.2380_2382dupATC (p.I749dup) alteration, located in exon 15 (coding exon 14) of the ATP2B2 gene, results from an in-frame duplication of 3 nucleotides at positions 2380 to 2382. This results in the duplication of an isoleucine residue at codon 794. This variant was not reported in population-based cohorts in the Genome Aggregation Database (gnomAD). This amino acid position is highly conserved in available vertebrate species. Based on internal structural analysis, this variant is anticipated to result in a significant decrease in structural stability (Ambry internal data). This alteration is predicted to be deleterious by in silico analysis (Choi, 2012). Based on the available evidence, this alteration is classified as likely pathogenic.

NM_001001331.4(ATP2B2):c.2515_2517dup (p.Ile839_Ala840insIle)

Gene: ATP2B2 (ATPase plasma membrane Ca2+ transporting 2; minus strand). Cytogenetic location: 3p25.3.
Variant type: Duplication.
Coding change: c.2515_2517dup on transcript NM_001001331.4 (MANE Select); coding-DNA positions 2515 to 2517, 3 bases duplicated (ATC; older notation c.2515_2517dupATC).
Protein change: p.Ile839_Ala840insIle.
Molecular consequence: inframe insertion.
Genome position (GRCh38, 1-based): chr3:10,345,570-10,345,572, GAT duplicated on the plus strand (ATC on the coding strand, the reverse complement: ATP2B2 is on the minus strand); duplicating any 3 consecutive bases within chr3:10,345,570-10,345,573 gives the same sequence; the c. name uses the placement nearest the transcript's 3' end. VCF-style (leftmost placement, unchanged base first): chr3-10345569-C-CGAT. GRCh37 (hg19) VCF-style: chr3-10387253-C-CGAT.
Other names: c.2380_2382dup, p.Ile794_Ala795insIle (NM_001330611.3, NM_001353564.1, NM_001363862.1 and 2 more transcripts); c.2422_2424dup, p.Ile808_Ala809insIle (NM_001438646.1).
Identifiers: ClinVar variation 4867142 (VCV004867142.1).
Genomic context (GRCh38, chr3:10,345,569, plus strand): 5'-TGCTGAAATTGTCGTCTGTCAGGATGATGTCTGAGGCCTCCTTGGCCACGTCAGTGCCTG[C>CGAT]GATGCCCTGTGGGGACAGGGACAGGAGGCTGGGTGGGGTGGCCGGGGGAGGTGACCACTT-3'